The following is an entry in ClinVar:

ClinVar aggregate classification (germline): Uncertain significance (1 of 4 stars; one submission).

Conditions:
Developmental and epileptic encephalopathy, 1 (DEE1). Also called: Epileptic encephalopathy, early infantile, 1; X-linked infantile spasms; West's syndrome; Tonic spasms with clustering, arrest of psychomotor development and hypsarrhythmia on EEG; X-Linked Infantile Spasm Syndrome; OHTAHARA SYNDROME, X-LINKED. Identifiers: MedGen C3463992, MONDO:0010632, OMIM 308350. Disease mechanism: loss of function.
Intellectual disability, X-linked, with or without seizures, ARX-related. Also called: Mental retardation, X-linked 52; INTELLECTUAL DEVELOPMENTAL DISORDER, X-LINKED 29; MENTAL RETARDATION, X-LINKED 29; MENTAL RETARDATION, X-LINKED 32; MENTAL RETARDATION, X-LINKED 33; MENTAL RETARDATION, X-LINKED 38. Identifiers: Orphanet 777, MedGen C0796244, MONDO:0010317, OMIM 300419.

gnomAD v4.1: 6 of 1,209,207 alleles (0.0005%); highest among the groups gnomAD compares: Admixed American, 0.0065%; no homozygotes.

Submission:

Labcorp Genetics (formerly Invitae), Labcorp
Classification: Uncertain significance for Developmental and epileptic encephalopathy, 1; Intellectual disability, X-linked, with or without seizures, ARX-related. Last evaluated: 2025-09-08. Review status: criteria provided, single submitter. Criteria: Invitae Variant Classification Sherloc (09022015). Collection method: clinical testing. Allele origin: germline.
Comment: This sequence change replaces proline, which is neutral and non-polar, with serine, which is neutral and polar, at codon 51 of the ARX protein (p.Pro51Ser). The frequency data for this variant in the population databases is considered unreliable, as metrics indicate poor data quality at this position in the gnomAD database. This variant has not been reported in the literature in individuals affected with ARX-related conditions. Invitae Evidence Modeling of protein sequence and biophysical properties (such as structural, functional, and spatial information, amino acid conservation, physicochemical variation, residue mobility, and thermodynamic stability) has been performed for this missense variant. However, the output from this modeling did not meet the statistical confidence thresholds required to predict the impact of this variant on ARX protein function. In summary, the available evidence is currently insufficient to determine the role of this variant in disease. Therefore, it has been classified as a Variant of Uncertain Significance.

NM_139058.3(ARX):c.151C>T (p.Pro51Ser)

Gene: ARX (aristaless related homeobox; minus strand). Cytogenetic location: Xp21.3.
Variant type: single nucleotide variant.
Coding change: c.151C>T on transcript NM_139058.3 (MANE Select); coding-DNA position 151, C replaced by T.
Protein change: p.Pro51Ser; replaces proline 51 with serine.
Molecular consequence: missense variant.
Genome position (GRCh38, 1-based): chrX:25,015,587, G>A on the plus strand (C>T on the coding strand, the complement: ARX is on the minus strand). VCF-style: chrX-25015587-G-A. GRCh37 (hg19) VCF-style: chrX-25033704-G-A.
Other names: short protein forms P51S.
Identifiers: ClinVar variation 4794611 (VCV004794611.1).